The following is an entry in ClinVar:

NM_001032283.3(TMPO):c.565+1623C>G

Gene: TMPO (thymopoietin; plus strand). Cytogenetic location: 12q23.1.
Variant type: single nucleotide variant.
Coding change: c.565+1623C>G on transcript NM_001032283.3 (MANE Select); 1623 bases into the intron after coding-DNA position 565, C replaced by G.
Molecular consequence: intron variant. On other transcripts: missense variant (1).
Genome position (GRCh38, 1-based): chr12:98,533,461, C>G. VCF-style: chr12-98533461-C-G. GRCh37 (hg19) VCF-style: chr12-98927239-C-G.
Other names: c.1204C>G, p.Pro402Ala (NM_003276.2); c.565+1623C>G (NM_001307975.2, NM_001032284.3); short protein forms P402A.
Identifiers: ClinVar variation 970738 (VCV000970738.14), dbSNP rs902009254, ClinGen allele CA242224757.

ClinVar aggregate classification (germline): Uncertain significance. Review status: criteria provided, multiple submitters, no conflicts (2 of 4 stars). 2 submissions from 2 submitters: Uncertain significance (2). Last evaluated 2025-11-11.

Conditions:
Loeys-Dietz syndrome 2 (LDS2). Also called: Marfan Syndrome type 2; Marfan like connective tissue disorder; MFS 2; TGFBR2-Related Loeys-Dietz Syndrome; AORTIC ANEURYSM, FAMILIAL THORACIC 3; MARFAN SYNDROME, TYPE II. Identifiers: Orphanet 284973, Orphanet 558, MedGen C2674574, MONDO:0012427, OMIM 610168.

Allele frequency attached by ClinVar (database versions not stated): gnomAD 0.00001; gnomAD exomes 0.00001; TOPMed 0.00002.
gnomAD v4.1: 4 of 1,613,982 alleles (0.00025%); highest among the groups gnomAD compares: Admixed American, 0.0067%; no homozygotes.

Submissions (2):

Ambry Genetics
Classification: Uncertain significance. Last evaluated: 2025-11-11. Review status: criteria provided, single submitter. Criteria: Ambry Variant Classification Scheme 2023. Collection method: clinical testing. Allele origin: germline.

Labcorp Genetics (formerly Invitae), Labcorp
Classification: Uncertain significance for Loeys-Dietz syndrome 2. Last evaluated: 2025-03-01. Review status: criteria provided, single submitter. Criteria: Invitae Variant Classification Sherloc (09022015). Collection method: clinical testing. Allele origin: germline.
Comment: This sequence change replaces proline, which is neutral and non-polar, with alanine, which is neutral and non-polar, at codon 402 of the TMPO protein (p.Pro402Ala). This variant is not present in population databases (gnomAD no frequency). This variant has not been reported in the literature in individuals affected with TMPO-related conditions. ClinVar contains an entry for this variant (Variation ID: 970738). Invitae Evidence Modeling of protein sequence and biophysical properties (such as structural, functional, and spatial information, amino acid conservation, physicochemical variation, residue mobility, and thermodynamic stability) indicates that this missense variant is not expected to disrupt TMPO protein function with a negative predictive value of 80%. In summary, the available evidence is currently insufficient to determine the role of this variant in disease. Therefore, it has been classified as a Variant of Uncertain Significance.